The following is an entry in ClinVar:

NM_203447.4(DOCK8):c.5833A>T (p.Ile1945Phe)

Gene: DOCK8 (dedicator of cytokinesis 8; plus strand). Cytogenetic location: 9p24.3.
Variant type: single nucleotide variant.
Coding change: c.5833A>T on transcript NM_203447.4 (MANE Select); coding-DNA position 5833, A replaced by T.
Protein change: p.Ile1945Phe; replaces isoleucine 1945 with phenylalanine.
Molecular consequence: missense variant.
Genome position (GRCh38, 1-based): chr9:449,799, A>T. VCF-style: chr9-449799-A-T. GRCh37 (hg19) VCF-style: chr9-449799-A-T.
Other names: c.5533A>T, p.Ile1845Phe (NM_001190458.2); c.5629A>T, p.Ile1877Phe (NM_001193536.2); short protein forms I1845F, I1945F, I1877F.
Identifiers: ClinVar variation 4746473 (VCV004746473.1).

ClinVar aggregate classification (germline): Uncertain significance (1 of 4 stars; one submission).

Conditions:
Combined immunodeficiency due to DOCK8 deficiency (HIES2). Also called: HIES autosomal recessive; DOCK8 Deficiency; HYPER-IgE SYNDROME 2, AUTOSOMAL RECESSIVE, WITH RECURRENT INFECTIONS; Hyper-IgE recurrent infection syndrome, autosomal recessive; HYPER-IgE RECURRENT INFECTION SYNDROME 2, AUTOSOMAL RECESSIVE. Identifiers: Orphanet 217390, MedGen C4722305, MONDO:0009478, OMIM 243700.

Submission:

Labcorp Genetics (formerly Invitae), Labcorp
Classification: Uncertain significance for Combined immunodeficiency due to DOCK8 deficiency. Last evaluated: 2025-02-28. Review status: criteria provided, single submitter. Criteria: Invitae Variant Classification Sherloc (09022015). Collection method: clinical testing. Allele origin: germline.
Comment: This sequence change replaces isoleucine, which is neutral and non-polar, with phenylalanine, which is neutral and non-polar, at codon 1945 of the DOCK8 protein (p.Ile1945Phe). This variant is not present in population databases (gnomAD no frequency). This variant has not been reported in the literature in individuals affected with DOCK8-related conditions. Invitae Evidence Modeling of protein sequence and biophysical properties (such as structural, functional, and spatial information, amino acid conservation, physicochemical variation, residue mobility, and thermodynamic stability) indicates that this missense variant is expected to disrupt DOCK8 protein function with a positive predictive value of 80%. In summary, the available evidence is currently insufficient to determine the role of this variant in disease. Therefore, it has been classified as a Variant of Uncertain Significance.